The following is an entry in ClinVar:

NM_001271.4(CHD2):c.340C>T (p.Arg114Ter)

Gene: CHD2 (chromodomain helicase DNA binding protein 2; plus strand). Cytogenetic location: 15q26.1.
Variant type: single nucleotide variant.
Coding change: c.340C>T on transcript NM_001271.4 (MANE Select); coding-DNA position 340, C replaced by T.
Protein change: p.Arg114Ter; replaces arginine 114 with a stop codon.
Molecular consequence: nonsense.
Genome position (GRCh38, 1-based): chr15:92,927,289, C>T. VCF-style: chr15-92927289-C-T. GRCh37 (hg19) VCF-style: chr15-93470519-C-T.
Other names: c.340C>T, p.Arg114Ter (NM_001042572.3); short protein forms R114*.
Identifiers: ClinVar variation 372997 (VCV000372997.12), dbSNP rs1057518128, ClinGen allele CA16042919.

ClinVar aggregate classification (germline): Pathogenic/Likely pathogenic. Review status: criteria provided, multiple submitters, no conflicts (2 of 4 stars). 5 submissions from 5 submitters: Pathogenic (4); Likely pathogenic (1). Last evaluated 2025-12-17.

Conditions:
Seizure. Also called: Seizures. Identifiers: MedGen C0036572, HP:0001250.
CHD2-related disorder. Also called: CHD2-related condition.
Developmental and epileptic encephalopathy 94 (DEE94). Also called: CHD2-Related Neurodevelopmental Disorders; Epileptic encephalopathy, childhood-onset. Identifiers: Orphanet 1942, Orphanet 2382, MedGen C3809278, MONDO:0014150, OMIM 615369.

Submissions (5):

GeneDx
Classification: Pathogenic. Last evaluated: 2025-12-17. Review status: criteria provided, single submitter. Criteria: GeneDx Variant Classification Process June 2021. Collection method: clinical testing. Allele origin: germline. Affected: yes.
Comment: Nonsense variant predicted to result in protein truncation or nonsense mediated decay in a gene for which loss of function is a known mechanism of disease; Not observed at significant frequency in large population cohorts (gnomAD); This variant is associated with the following publications: (PMID: 33057194, 37489029, 35982159, 38958063)

Cytogénomique, Hospices Civils de Lyon
Classification: Pathogenic for Seizure. Last evaluated: 2024-08-06. Review status: criteria provided, single submitter. Criteria: ACMG Guidelines, 2015. Collection method: clinical testing. Allele origin: unknown. Affected: yes.

Labcorp Genetics (formerly Invitae), Labcorp
Classification: Pathogenic for Developmental and epileptic encephalopathy 94. Last evaluated: 2022-12-14. Review status: criteria provided, single submitter. Criteria: Invitae Variant Classification Sherloc (09022015). Collection method: clinical testing. Allele origin: germline.
Comment: ClinVar contains an entry for this variant (Variation ID: 372997). This variant has not been reported in the literature in individuals affected with CHD2-related conditions. This variant is not present in population databases (gnomAD no frequency). This sequence change creates a premature translational stop signal (p.Arg114*) in the CHD2 gene. It is expected to result in an absent or disrupted protein product. Loss-of-function variants in CHD2 are known to be pathogenic (PMID: 23708187, 24207121). For these reasons, this variant has been classified as Pathogenic.

Blueprint Genetics
Classification: Likely pathogenic for CHD2-related disorders. Last evaluated: 2018-12-21. Review status: criteria provided, single submitter. Criteria: ACMG Guidelines, 2015. Collection method: clinical testing. Allele origin: germline. Affected: yes. Observed: 1 variant allele.

Fulgent Genetics
Classification: Pathogenic for Developmental and epileptic encephalopathy 94. Last evaluated: 2018-10-31. Review status: criteria provided, single submitter. Criteria: ACMG Guidelines, 2015. Collection method: clinical testing. Allele origin: unknown.

Literature cited by the submitters: PubMed 23708187 (cited by Labcorp Genetics (formerly Invitae), Labcorp); PubMed 24207121 (cited by Labcorp Genetics (formerly Invitae), Labcorp).